The following is an entry in ClinVar:

NM_020975.6(RET):c.1662C>T (p.Asn554=)

Gene: RET (ret proto-oncogene; plus strand). Cytogenetic location: 10q11.21.
Variant type: single nucleotide variant.
Coding change: c.1662C>T on transcript NM_020975.6 (MANE Select); coding-DNA position 1662, C replaced by T.
Protein change: p.Asn554=; no amino-acid change (asparagine 554 retained).
Molecular consequence: synonymous variant.
Genome position (GRCh38, 1-based): chr10:43,112,866, C>T. VCF-style: chr10-43112866-C-T. GRCh37 (hg19) VCF-style: chr10-43608314-C-T.
Other names: c.1662C>T, p.Asn554= (NM_000323.2, NM_001406743.1, NM_001406744.1 and 6 more transcripts); c.900C>T, p.Asn300= (NM_001355216.2); c.1533C>T, p.Asn511= (NM_001406761.1, NM_001406762.1, NM_001406764.1 and 1 more transcripts); c.1374C>T, p.Asn458= (NM_001406766.1, NM_001406767.1, NM_001406770.1); c.1224C>T, p.Asn408= (NM_001406771.1, NM_001406773.1); c.1266C>T, p.Asn422= (NM_001406772.1, NM_001406769.1); c.1137C>T, p.Asn379= (NM_001406774.1); c.936C>T, p.Asn312= (NM_001406775.1, NM_001406776.1, NM_001406777.1 and 1 more transcripts); and 5 more.
Identifiers: ClinVar variation 764504 (VCV000764504.11), dbSNP rs1253582681, ClinGen allele CA469027695.

ClinVar aggregate classification (germline): Conflicting classifications of pathogenicity. Review status: criteria provided, conflicting classifications (1 of 4 stars). 2 submissions from 2 submitters: Uncertain significance (1); Likely benign (1). Last evaluated 2024-11-21.

Conditions:
Hereditary cancer-predisposing syndrome. Also called: Tumor predisposition; Neoplastic Syndromes, Hereditary; Hereditary Cancer Syndrome; Hereditary neoplastic syndrome. Identifiers: Orphanet 140162, MedGen C0027672, MeSH D009386, MONDO:0015356.
Multiple endocrine neoplasia, type 2 (MEN2). Identifiers: Orphanet 653, MedGen C4048306, MONDO:0019003. Disease mechanism: gain of function.

Submissions (2):

Ambry Genetics
Classification: Uncertain significance for Hereditary cancer-predisposing syndrome. Last evaluated: 2024-11-21. Review status: criteria provided, single submitter. Criteria: Ambry Variant Classification Scheme 2023. Collection method: clinical testing. Allele origin: germline.
Comment: The c.1662C>T variant (also known as p.N554N), located in coding exon 9 of the RET gene, results from a C to T substitution at nucleotide position 1662. This nucleotide substitution does not change the amino acid at codon 554. This nucleotide position is well conserved in available vertebrate species. In silico splice site analysis predicts that this alteration may result in the creation or strengthening of a novel splice acceptor site. Based on the available evidence, the clinical significance of this variant remains unclear.

Labcorp Genetics (formerly Invitae), Labcorp
Classification: Likely benign for Multiple endocrine neoplasia, type 2. Last evaluated: 2024-04-15. Review status: criteria provided, single submitter. Criteria: Invitae Variant Classification Sherloc (09022015). Collection method: clinical testing. Allele origin: germline.